The following is an entry in ClinVar:

NC_000009.11:g.(?_137534034)_(139440238_?)dup

Genes: C9orf163 (chromosome 9 putative open reading frame 163; plus strand), CAMSAP1 (calmodulin regulated spectrin associated protein 1; minus strand), CARD9 (caspase recruitment domain family member 9; minus strand), COL5A1 (collagen type V alpha 1 chain; plus strand), DNLZ (DNL-type zinc finger; minus strand) and 26 more. Cytogenetic location: 9q34.3.
Variant type: Duplication.
Identifiers: ClinVar variation 1372096 (VCV001372096.8).

ClinVar aggregate classification (germline): Uncertain significance. Review status: criteria provided, single submitter (1 of 4 stars). 2 submissions from 1 submitter: Uncertain significance (2). Last evaluated 2021-08-20.

Conditions:
Adams-Oliver syndrome 5 (AOS5). Identifiers: Orphanet 974, MedGen C4014970, MONDO:0014459, OMIM 616028.
Ehlers-Danlos syndrome, classic type, 1 (EDSCL1). Also called: EHLERS-DANLOS SYNDROME, GRAVIS TYPE; EHLERS-DANLOS SYNDROME, SEVERE CLASSIC TYPE; Ehlers-Danlos syndrome, type 1; EDS I; Ehlers-Danlos Syndrome, Classic Type, COL5A1-Related. Identifiers: MedGen C0268335, MONDO:0019567, OMIM 130000.

Submissions (2):

Labcorp Genetics (formerly Invitae), Labcorp
Classification: Uncertain significance for Adams-Oliver syndrome 5. Last evaluated: 2021-08-20. Review status: criteria provided, single submitter. Criteria: Invitae Variant Classification Sherloc (09022015). Collection method: clinical testing. Allele origin: germline.
Comment: A copy number gain of the genomic region encompassing the full coding sequence of the NOTCH1 gene has been identified. The boundaries of this event are unknown as they extend beyond the assayed region for this gene and therefore may encompass additional genes. As the precise location of this event is unknown, it may be in tandem or it may be located elsewhere in the genome. Isolated whole-gene copy number gains of NOTCH1 have not been reported in the literature. However, larger copy number events that include this gene have been reported (PMID: 29907982). In summary, the available evidence is currently insufficient to determine the role of this variant in disease. Therefore, it has been classified as a Variant of Uncertain Significance.

Labcorp Genetics (formerly Invitae), Labcorp
Classification: Uncertain significance for Ehlers-Danlos syndrome, classic type, 1. Last evaluated: 2021-03-10. Review status: criteria provided, single submitter. Criteria: Invitae Variant Classification Sherloc (09022015). Collection method: clinical testing. Allele origin: germline.
Comment: In summary, the available evidence is currently insufficient to determine the role of this variant in disease. Therefore, it has been classified as a Variant of Uncertain Significance. This variant has not been reported in the literature in individuals with COL5A1-related disease. This variant results in a copy number gain of the genomic region encompassing the full coding sequence of the COL5A1 gene. The boundaries of this event are unknown as they extend beyond the assayed region for this gene and therefore may encompass additional genes. As the precise location of this event is unknown, it may be in tandem or it may be located elsewhere in the genome.

Literature cited by the submitters: PubMed 29907982.